The following is an entry in ClinVar:

ClinVar aggregate classification (germline): Uncertain significance (1 of 4 stars; one submission).

Submission:

GeneDx
Classification: Uncertain significance. Last evaluated: 2019-04-22. Review status: criteria provided, single submitter. Criteria: GeneDx Variant Classification Process June 2021. Collection method: clinical testing. Allele origin: germline. Affected: yes.
Comment: Not observed in large population cohorts (Lek et al., 2016); In silico analysis, which includes protein predictors and evolutionary conservation, supports a deleterious effect; Has not been previously published as pathogenic or benign to our knowledge

NM_000550.3(TYRP1):c.1170A>C (p.Gln390His)

Genes: LURAP1L-AS1 (LURAP1L antisense RNA 1; minus strand), TYRP1 (tyrosinase related protein 1; plus strand). Cytogenetic location: 9p23.
Variant type: single nucleotide variant.
Coding change: c.1170A>C on transcript NM_000550.3 (MANE Select); coding-DNA position 1170, A replaced by C.
Protein change: p.Gln390His; replaces glutamine 390 with histidine.
Molecular consequence: missense variant.
Genome position (GRCh38, 1-based): chr9:12,704,614, A>C. VCF-style: chr9-12704614-A-C. GRCh37 (hg19) VCF-style: chr9-12704614-A-C.
Other names: short protein forms Q390H.
Identifiers: ClinVar variation 1305260 (VCV001305260.2), dbSNP rs2118258984, ClinGen allele CA372942684.